The following is an entry in ClinVar:

NM_015102.5(NPHP4):c.4157C>A (p.Thr1386Asn)

Gene: NPHP4 (nephrocystin 4; minus strand). Cytogenetic location: 1p36.31.
Variant type: single nucleotide variant.
Coding change: c.4157C>A on transcript NM_015102.5 (MANE Select); coding-DNA position 4157, C replaced by A.
Protein change: p.Thr1386Asn; replaces threonine 1386 with asparagine.
Molecular consequence: missense variant. On other transcripts: non-coding transcript variant (1).
Genome position (GRCh38, 1-based): chr1:5,863,389, G>T on the plus strand (C>A on the coding strand, the complement: NPHP4 is on the minus strand). VCF-style: chr1-5863389-G-T. GRCh37 (hg19) VCF-style: chr1-5923449-G-T.
Other names: c.2618C>A, p.Thr873Asn (NM_001291593.2); c.2621C>A, p.Thr874Asn (NM_001291594.2); c.4157C>A (NM_015102.3); short protein forms T1386N, T873N, T874N.
Identifiers: ClinVar variation 1040125 (VCV001040125.7), dbSNP rs1255225068, ClinGen allele CA338047849.

ClinVar aggregate classification (germline): Uncertain significance. Review status: criteria provided, multiple submitters, no conflicts (2 of 4 stars). 2 submissions from 2 submitters: Uncertain significance (2). Last evaluated 2025-06-17.

Conditions:
Inborn genetic diseases. Identifiers: MedGen C0950123, MeSH D030342.
Nephronophthisis. Also called: Juvenile Nephronophthisis. Identifiers: Orphanet 655, MedGen C0687120, MONDO:0019005, HP:0000090.

Allele frequency attached by ClinVar (database versions not stated): gnomAD exomes below 0.00001.
gnomAD v4.1: 1 of 1,594,366 alleles (0.000063%); highest among the groups gnomAD compares: East Asian, 0.0023%; no homozygotes.

Submissions (2):

Ambry Genetics
Classification: Uncertain significance for Inborn genetic diseases. Last evaluated: 2025-06-17. Review status: criteria provided, single submitter. Criteria: Ambry Variant Classification Scheme 2023. Collection method: clinical testing. Allele origin: germline.

Labcorp Genetics (formerly Invitae), Labcorp
Classification: Uncertain significance for Nephronophthisis. Last evaluated: 2022-02-04. Review status: criteria provided, single submitter. Criteria: Invitae Variant Classification Sherloc (09022015). Collection method: clinical testing. Allele origin: germline.
Comment: In summary, the available evidence is currently insufficient to determine the role of this variant in disease. Therefore, it has been classified as a Variant of Uncertain Significance. Algorithms developed to predict the effect of missense changes on protein structure and function are either unavailable or do not agree on the potential impact of this missense change (SIFT: "Tolerated"; PolyPhen-2: "Probably Damaging"; Align-GVGD: "Class C0"). ClinVar contains an entry for this variant (Variation ID: 1040125). This variant has not been reported in the literature in individuals affected with NPHP4-related conditions. This variant is not present in population databases (gnomAD no frequency). This sequence change replaces threonine, which is neutral and polar, with asparagine, which is neutral and polar, at codon 1386 of the NPHP4 protein (p.Thr1386Asn).